The following is an entry in ClinVar:

ClinVar aggregate classification (germline): Pathogenic (0 of 4 stars; one submission).

Conditions:
Cleidocranial dysostosis (CLCD1). Also called: Cleidocranial Dysplasia Spectrum Disorder; cleidocranial dysplasia 1; Marie-Sainton disease. Identifiers: Orphanet 1452, MedGen C0008928, MONDO:0007340, OMIM 119600.

Submission:

Istanbul Faculty of Medicine, Istanbul University
Classification: Pathogenic for Cleidocranial dysplasia. Last evaluated: 2020-05-23. Review status: no assertion criteria provided. Collection method: clinical testing. Allele origin: unknown. Affected: yes. Observed: 1 variant allele.

Literature cited by the submitters: PubMed 33987976.

NM_001024630.4(RUNX2):c.443_454delinsG (p.Val148fs)

Gene: RUNX2 (RUNX family transcription factor 2; plus strand). Cytogenetic location: 6p21.1.
Variant type: Indel.
Coding change: c.443_454delinsG on transcript NM_001024630.4 (MANE Select); coding-DNA positions 443 to 454, TACCAGATGGGA replaced by G.
Protein change: p.Val148fs; shifts the reading frame from valine 148.
Molecular consequence: frameshift variant.
Genome position (GRCh38, 1-based): chr6:45,431,882-45,431,893, TACCAGATGGGA replaced by G. VCF-style: chr6-45431882-TACCAGATGGGA-G. GRCh37 (hg19) VCF-style: chr6-45399619-TACCAGATGGGA-G.
Other names: c.443_454delinsG, p.Val148fs (NM_001015051.4); c.401_412delinsG, p.Val134fs (NM_001278478.2, NM_001369405.1); c.443_454delTACCAGATGGGAinsG (NM_001024630.4); short protein forms V148fs, V134fs.
Identifiers: ClinVar variation 916706 (VCV000916706.3), dbSNP rs1798551566, ClinGen allele CA1139659562.
Genomic context (GRCh38, chr6:45,431,882, plus strand): 5'-TGATGTGCCATTATTGCTGCTGTGTTTCCTGTTTTATGTAGGTGGTAGCCCTCGGAGAGG[TACCAGATGGGA>G]CTGTGGTTACTGTCATGGCGGGTAACGATGAAAATTATTCTGCTGAGCTCCGGAATGCCT-3'